The following is an entry in ClinVar:

ClinVar aggregate classification (germline): Uncertain significance. Review status: criteria provided, multiple submitters, no conflicts (2 of 4 stars). 3 submissions from 3 submitters: Uncertain significance (3). Last evaluated 2024-07-06.

Conditions:
Insulin-dependent diabetes mellitus secretory diarrhea syndrome (IPEX). Also called: DIABETES MELLITUS, CONGENITAL INSULIN-DEPENDENT, WITH FATAL SECRETORY DIARRHEA; DIARRHEA, POLYENDOCRINOPATHY, FATAL INFECTION SYNDROME, X-LINKED; ENTEROPATHY, AUTOIMMUNE, WITH HEMOLYTIC ANEMIA AND POLYENDOCRINOPATHY; IMMUNODEFICIENCY, POLYENDOCRINOPATHY, AND ENTEROPATHY, X-LINKED; IPEX and IPEX-Like; Immunodysregulation, polyendocrinopathy, and enteropathy, X-linked. Identifiers: Orphanet 37042, MedGen C0342288, MONDO:0010580, OMIM 304790. Disease mechanism: loss of function.

Allele frequency attached by ClinVar (database versions not stated): gnomAD 0.00002; gnomAD exomes 0.00002 and 0.00005; TOPMed 0.00005; ExAC 0.00008.
gnomAD v4.1: 10 of 1,139,944 alleles (0.00088%); highest among the groups gnomAD compares: Admixed American, 0.029%; no homozygotes.

Submissions (3):

Labcorp Genetics (formerly Invitae), Labcorp
Classification: Uncertain significance for Insulin-dependent diabetes mellitus secretory diarrhea syndrome. Last evaluated: 2024-07-06. Review status: criteria provided, single submitter. Criteria: Invitae Variant Classification Sherloc (09022015). Collection method: clinical testing. Allele origin: germline.
Comment: This sequence change replaces proline, which is neutral and non-polar, with alanine, which is neutral and non-polar, at codon 147 of the FOXP3 protein (p.Pro147Ala). This variant is present in population databases (rs781856708, gnomAD 0.05%), and has an allele count higher than expected for a pathogenic variant. This variant has not been reported in the literature in individuals affected with FOXP3-related conditions. ClinVar contains an entry for this variant (Variation ID: 497913). Advanced modeling of protein sequence and biophysical properties (such as structural, functional, and spatial information, amino acid conservation, physicochemical variation, residue mobility, and thermodynamic stability) performed at Invitae indicates that this missense variant is not expected to disrupt FOXP3 protein function with a negative predictive value of 80%. In summary, the available evidence is currently insufficient to determine the role of this variant in disease. Therefore, it has been classified as a Variant of Uncertain Significance.

Fulgent Genetics
Classification: Uncertain significance for Insulin-dependent diabetes mellitus secretory diarrhea syndrome. Last evaluated: 2021-08-13. Review status: criteria provided, single submitter. Criteria: ACMG Guidelines, 2015. Collection method: clinical testing. Allele origin: unknown.

Eurofins Ntd Llc (ga)
Classification: Uncertain significance. Last evaluated: 2016-11-17. Review status: criteria provided, single submitter. Criteria: EGL Classification Definitions 2015. Collection method: clinical testing. Allele origin: germline. Observed: 1 variant allele, 1 heterozygote.

NM_014009.4(FOXP3):c.439C>G (p.Pro147Ala)

Gene: FOXP3 (forkhead box P3; minus strand). Cytogenetic location: Xp11.23.
Variant type: single nucleotide variant.
Coding change: c.439C>G on transcript NM_014009.4 (MANE Select); coding-DNA position 439, C replaced by G.
Protein change: p.Pro147Ala; replaces proline 147 with alanine.
Molecular consequence: missense variant.
Genome position (GRCh38, 1-based): chrX:49,257,442, G>C on the plus strand (C>G on the coding strand, the complement: FOXP3 is on the minus strand). VCF-style: chrX-49257442-G-C. GRCh37 (hg19) VCF-style: chrX-49113899-G-C.
Other names: c.334C>G, p.Pro112Ala (NM_001114377.2); short protein forms P147A, P112A.
Identifiers: ClinVar variation 497913 (VCV000497913.10), dbSNP rs781856708, ClinGen allele CA10411806.